The following is an entry in ClinVar:

ClinVar aggregate classification (germline): Conflicting classifications of pathogenicity. Review status: criteria provided, conflicting classifications (1 of 4 stars). 7 submissions from 7 submitters: Uncertain significance (1); Benign (1); Likely benign (3). 2 of the submissions do not count toward it. Last evaluated 2024-04-03.

Conditions:
STK11-related disorder. Also called: STK11-related condition.
Hereditary cancer-predisposing syndrome. Also called: Tumor predisposition; Hereditary Cancer Syndrome; Hereditary neoplastic syndrome; Neoplastic Syndromes, Hereditary. Identifiers: Orphanet 140162, MedGen C0027672, MeSH D009386, MONDO:0015356.
Peutz-Jeghers syndrome (PJS). Also called: POLYPOSIS, HAMARTOMATOUS INTESTINAL; POLYPS-AND-SPOTS SYNDROME; Peutz-Jeghers polyposis; Periorificial lentiginosis syndrome. Identifiers: Orphanet 2869, MedGen C0031269, MeSH D010580, MONDO:0008280, OMIM 175200.

Submissions (7):

Labcorp Genetics (formerly Invitae), Labcorp
Classification: Likely benign for Peutz-Jeghers syndrome. Last evaluated: 2024-04-03. Review status: criteria provided, single submitter. Criteria: Invitae Variant Classification Sherloc (09022015). Collection method: clinical testing. Allele origin: germline.

Myriad Genetics, Inc.
Classification: Benign for Peutz-Jeghers syndrome. Last evaluated: 2023-04-12. Review status: criteria provided, single submitter. Criteria: Myriad Autosomal Dominant, Autosomal Recessive and X-Linked Classification Criteria (2023). Collection method: clinical testing. Allele origin: unknown.
Comment: This variant is considered benign. This variant is a silent/synonymous amino acid change and it is not expected to impact splicing.

Genome-Nilou Lab
Classification: Uncertain significance for Peutz-Jeghers syndrome. Last evaluated: 2021-07-15. Review status: criteria provided, single submitter. Criteria: ACMG Guidelines, 2015. Collection method: clinical testing. Allele origin: germline. Affected: no.

Ambry Genetics
Classification: Likely benign for Hereditary cancer-predisposing syndrome. Last evaluated: 2016-07-23. Review status: criteria provided, single submitter. Criteria: Ambry Variant Classification Scheme 2023. Collection method: clinical testing. Allele origin: germline.

GeneDx
Classification: Likely benign. Last evaluated: 2015-02-10. Review status: criteria provided, single submitter. Criteria: GeneDx Variant Classification (06012015). Collection method: clinical testing. Allele origin: germline. Affected: yes.
Comment: This variant is considered likely benign or benign based on one or more of the following criteria: it is a conservative change, it occurs at a poorly conserved position in the protein, it is predicted to be benign by multiple in silico algorithms, and/or has population frequency not consistent with disease.

PreventionGenetics, part of Exact Sciences
Classification: Likely benign for STK11-related condition. Last evaluated: 2024-08-30. Review status: no assertion criteria provided. Collection method: clinical testing. Allele origin: germline. Not counted in ClinVar's aggregate classification.
Comment: This variant is classified as likely benign based on ACMG/AMP sequence variant interpretation guidelines (Richards et al. 2015 PMID: 25741868, with internal and published modifications).

Counsyl
Classification: Likely benign for Peutz-Jeghers syndrome. Last evaluated: 2018-04-03. Review status: no assertion criteria provided. Collection method: clinical testing. Allele origin: unknown. Not counted in ClinVar's aggregate classification.

NM_000455.5(STK11):c.120C>T (p.Arg40=)

Gene: STK11 (serine/threonine kinase 11; plus strand). Cytogenetic location: 19p13.3.
Variant type: single nucleotide variant.
Coding change: c.120C>T on transcript NM_000455.5 (MANE Select); coding-DNA position 120, C replaced by T.
Protein change: p.Arg40=; no amino-acid change (arginine 40 retained).
Molecular consequence: synonymous variant.
Genome position (GRCh38, 1-based): chr19:1,207,033, C>T. VCF-style: chr19-1207033-C-T. GRCh37 (hg19) VCF-style: chr19-1207032-C-T.
Identifiers: ClinVar variation 237791 (VCV000237791.21), dbSNP rs878853984, ClinGen allele CA10583781.